The following is an entry in ClinVar:

ClinVar aggregate classification (germline): Likely benign (1 of 4 stars; one submission).

Allele frequency attached by ClinVar (database versions not stated): TOPMed 0.00011; gnomAD exomes 0.00024; 1000 Genomes Project 30x 0.00031; 1000 Genomes Project 0.00040; gnomAD 0.00053; ExAC 0.00056.
gnomAD v4.1: 444 of 1,614,010 alleles (0.028%); highest among the groups gnomAD compares: East Asian, 0.025%; no homozygotes.

Submission:

CeGaT Center for Human Genetics Tuebingen
Classification: Likely benign. Last evaluated: 2022-09-01. Review status: criteria provided, single submitter. Criteria: CeGaT Center For Human Genetics Tuebingen Variant Classification Criteria Version 2. Collection method: clinical testing. Allele origin: germline. Affected: yes. Observed: 1 variant allele.
Comment: MYCBP2: BP4, BP7

NM_015057.5(MYCBP2):c.13206C>T (p.Asn4402=)

Gene: MYCBP2 (MYC binding protein 2; minus strand). Cytogenetic location: 13q22.3.
Variant type: single nucleotide variant.
Coding change: c.13206C>T on transcript NM_015057.5 (MANE Select); coding-DNA position 13206, C replaced by T.
Protein change: p.Asn4402=; no amino-acid change (asparagine 4402 retained).
Molecular consequence: synonymous variant.
Genome position (GRCh38, 1-based): chr13:77,058,341, G>A on the plus strand (C>T on the coding strand, the complement: MYCBP2 is on the minus strand). VCF-style: chr13-77058341-G-A. GRCh37 (hg19) VCF-style: chr13-77632476-G-A.
Identifiers: ClinVar variation 2643851 (VCV002643851.24), dbSNP rs186340914, ClinGen allele CA7007696.
Genomic context (GRCh38, chr13:77,058,341, plus strand): 5'-TTGCTTCAGGCTTGTGGCACTTTTGTCACAGCCGTGTAGACAGGGCAGACAGTGCTCTTC[G>A]TTTTTAACACCCCCGCATGGATGGCCACAAGGATGCGTCTTACTACAGGCTATCTTAGCG-3'
Protein context (NP_055872.4, residues 4392-4412): PCGHPCGGVK[Asn4402=]EEHCLPCLHG